The following is an entry in ClinVar:

ClinVar aggregate classification (germline): Pathogenic. Review status: criteria provided, multiple submitters, no conflicts (2 of 4 stars). 3 submissions from 3 submitters: Pathogenic (2). 1 of the submissions does not count toward it. Last evaluated 2024-02-05.

Conditions:
Polycystic kidney disease, adult type (PKD1). Also called: POLYCYSTIC KIDNEY DISEASE, ADULT, TYPE I; Polycystic Kidney Disease 1, Autosomal Dominant; Polycystic kidney disease 1; Polycystic kidney disease 1, severe; Polycystic Kidney, Autosomal Dominant; POLYCYSTIC KIDNEY DISEASE 1 WITH OR WITHOUT POLYCYSTIC LIVER DISEASE. Identifiers: MedGen C3149841, MONDO:0008263, OMIM 173900.
Polycystic kidney disease. Also called: Polycystic kidney dysplasia; Kidney, Polycystic. Identifiers: MedGen C0022680, MeSH D007690, MONDO:0020642, HP:0000113.
Inborn genetic diseases. Identifiers: MedGen C0950123, MeSH D030342.

gnomAD v4.1: 1 of 1,591,378 alleles (0.000063%); no homozygotes.

Submissions (3):

Ambry Genetics
Classification: Pathogenic for Inborn genetic diseases. Last evaluated: 2024-02-05. Review status: criteria provided, single submitter. Criteria: Ambry Variant Classification Scheme 2023. Collection method: clinical testing. Allele origin: germline.
Comment: The c.5510G>A (p.W1837*) alteration, located in exon 15 (coding exon 15) of the PKD1 gene, consists of a G to A substitution at nucleotide position 5510. This changes the amino acid from a tryptophan (W) to a stop codon at amino acid position 1837. This alteration is expected to result in loss of function by premature protein truncation or nonsense-mediated mRNA decay. This variant was not reported in population-based cohorts in the Genome Aggregation Database (gnomAD). This variant was reported in multiple individuals with features consistent with PKD1-related polycystic kidney disease (Kim, 2019; Chebib, 2017). Based on the available evidence, this alteration is classified as pathogenic.

Fulgent Genetics
Classification: Pathogenic for Polycystic kidney disease, adult type. Last evaluated: 2022-04-29. Review status: criteria provided, single submitter. Criteria: ACMG Guidelines, 2015. Collection method: clinical testing. Allele origin: unknown.

Department of Pathology and Laboratory Medicine, Sinai Health System
Classification: Pathogenic for Polycystic Kidney disease. Review status: no assertion criteria provided. Collection method: clinical testing. Allele origin: unknown. Affected: yes. Study: The Canadian Open Genetics Repository (COGR). Not counted in ClinVar's aggregate classification.
Comment: The PKD1 p.Trp1837* variant was not identified in the literature nor was it identified in the dbSNP, ClinVar, LOVD 3.0, ADPKD Mutation Database, or PKD1-LOVD databases. The variant was not identified in the following control databases: the Exome Aggregation Consortium (August 8th 2016), or the Genome Aggregation Database (Feb 27, 2017). The c.5510G>A variant leads to a premature stop codon at position 1837 which is predicted to lead to a truncated or absent protein and loss of function. Loss of function variants of the PKD1 gene are an established mechanism of disease in ADPKD and is the type of variant expected to cause the disorder. In summary, based on the above information this variant meets our laboratoryâ€šÃ„Ã´s criteria to be classified as pathogenic.

Literature cited by the submitters: PubMed 29270497 (cited by Ambry Genetics); PubMed 31740684 (cited by Ambry Genetics).

NM_001009944.3(PKD1):c.5510G>A (p.Trp1837Ter)

Gene: PKD1 (polycystin 1, transient receptor potential channel interacting; minus strand). Cytogenetic location: 16p13.3.
Variant type: single nucleotide variant.
Coding change: c.5510G>A on transcript NM_001009944.3 (MANE Select); coding-DNA position 5510, G replaced by A.
Protein change: p.Trp1837Ter; replaces tryptophan 1837 with a stop codon.
Molecular consequence: nonsense.
Genome position (GRCh38, 1-based): chr16:2,109,657, C>T on the plus strand (G>A on the coding strand, the complement: PKD1 is on the minus strand). VCF-style: chr16-2109657-C-T. GRCh37 (hg19) VCF-style: chr16-2159658-C-T.
Other names: c.5510G>A, p.Trp1837Ter (NM_000296.4); c.5510G>A (NM_000296.3); short protein forms W1837*.
Identifiers: ClinVar variation 997402 (VCV000997402.3), dbSNP rs2092450284, ClinGen allele CA394376558.
Genomic context (GRCh38, chr16:2,109,657, plus strand): 5'-GGGAAGACCATGGTGACATGAGGGCCACGCTTGCTGCTGCCGCCGGGCACAGCCCAGCAC[C>T]AGCTCACATTGGTGCCCGTGGCCAGCTGCCCCCAAAAGGGCACAGAGGACCCGGCCGCCA-3'